The following is an entry in ClinVar:

ClinVar aggregate classification (germline): Benign/Likely benign. Review status: criteria provided, multiple submitters, no conflicts (2 of 4 stars). 4 submissions from 4 submitters: Benign (1); Likely benign (2). 1 of the submissions does not count toward it. Last evaluated 2026-07-01.

Conditions:
KIF5C-related disorder. Also called: KIF5C-related condition.

Allele frequency attached by ClinVar (database versions not stated): ESP Exome Variant Server 0.00359; 1000 Genomes Project 0.00379; 1000 Genomes Project 30x 0.00390; gnomAD 0.00398 and 0.00432; TOPMed 0.00455.
gnomAD v4.1: 1,326 of 1,611,144 alleles (0.082%); highest among the groups gnomAD compares: African/African-American, 1.4%; 7 homozygotes.

Submissions (4):

CeGaT Center for Human Genetics Tuebingen
Classification: Likely benign. Last evaluated: 2026-07-01. Review status: criteria provided, single submitter. Criteria: CeGaT Center For Human Genetics Tuebingen Variant Classification Criteria Version 2. Collection method: clinical testing. Allele origin: germline. Affected: yes. Observed: 1 variant allele.
Comment: KIF5C: BP4, BP7, BS1

Blueprint Genetics
Classification: Likely benign. Last evaluated: 2024-10-14. Review status: criteria provided, single submitter. Criteria: ACMG Guidelines, 2015. Collection method: clinical testing. Allele origin: germline.

GeneDx
Classification: Benign. Last evaluated: 2018-09-19. Review status: criteria provided, single submitter. Criteria: GeneDx Variant Classification Process June 2021. Collection method: clinical testing. Allele origin: germline. Affected: yes.

PreventionGenetics, part of Exact Sciences
Classification: Benign for KIF5C-related condition. Last evaluated: 2021-06-30. Review status: no assertion criteria provided. Collection method: clinical testing. Allele origin: germline. Not counted in ClinVar's aggregate classification.
Comment: This variant is classified as benign based on ACMG/AMP sequence variant interpretation guidelines (Richards et al. 2015 PMID: 25741868, with internal and published modifications).

NM_004522.3(KIF5C):c.525G>A (p.Ser175=)

Gene: KIF5C (kinesin family member 5C; plus strand). Cytogenetic location: 2q23.1.
Variant type: single nucleotide variant.
Coding change: c.525G>A on transcript NM_004522.3 (MANE Select); coding-DNA position 525, G replaced by A.
Protein change: p.Ser175=; no amino-acid change (serine 175 retained).
Molecular consequence: synonymous variant.
Genome position (GRCh38, 1-based): chr2:148,942,696, G>A. VCF-style: chr2-148942696-G-A. GRCh37 (hg19) VCF-style: chr2-149799210-G-A.
Identifiers: ClinVar variation 1292561 (VCV001292561.6), dbSNP rs183944203, ClinGen allele CA1901260.